The following is an entry in ClinVar:

ClinVar aggregate classification (germline): Benign/Likely benign. Review status: criteria provided, multiple submitters, no conflicts (2 of 4 stars). 2 submissions from 2 submitters: Benign (1); Likely benign (1). Last evaluated 2025-08-13.

Allele frequency attached by ClinVar (database versions not stated): TOPMed 0.00386; 1000 Genomes Project 30x 0.00265; 1000 Genomes Project 0.00280; ESP Exome Variant Server 0.00392; gnomAD 0.00373 and 0.00400; gnomAD exomes 0.00090; ExAC 0.00113.
gnomAD v4.1: 1,054 of 1,606,680 alleles (0.066%); highest among the groups gnomAD compares: African/African-American, 1.3%; 8 homozygotes.

Submissions (2):

Mayo Clinic Laboratories, Mayo Clinic
Classification: Benign. Last evaluated: 2025-08-13. Review status: criteria provided, single submitter. Criteria: ACMG Guidelines, 2015. Collection method: clinical testing. Allele origin: germline. Observed: 3 variant alleles.
Comment: BA1, BP4, BP7

GeneDx
Classification: Likely benign. Last evaluated: 2018-07-05. Review status: criteria provided, single submitter. Criteria: GeneDx Variant Classification Process June 2021. Collection method: clinical testing. Allele origin: germline. Affected: yes.

NM_000414.4(HSD17B4):c.1994-26C>T

Gene: HSD17B4 (hydroxysteroid 17-beta dehydrogenase 4; plus strand). Cytogenetic location: 5q23.1.
Variant type: single nucleotide variant.
Coding change: c.1994-26C>T on transcript NM_000414.4 (MANE Select); 26 bases into the intron before coding-DNA position 1994, C replaced by T.
Molecular consequence: intron variant.
Genome position (GRCh38, 1-based): chr5:119,536,397, C>T. VCF-style: chr5-119536397-C-T. GRCh37 (hg19) VCF-style: chr5-118872092-C-T.
Other names: p.?; c.1583-26C>T (NM_001374503.1, NM_001374502.1, NM_001374501.1); c.2069-26C>T (NM_001199291.3); c.1667-26C>T (NM_001374499.1); c.1553-26C>T (NM_001374500.1); c.1574-26C>T (NM_001292028.2); c.1922-26C>T (NM_001292027.2, NM_001374498.1); c.1985-26C>T (NM_001374497.1); and 1 more.
Identifiers: ClinVar variation 1203479 (VCV001203479.4), dbSNP rs150637104, ClinGen allele CA3382488.
Genomic context (GRCh38, chr5:119,536,397, plus strand): 5'-AAATGTCTGCATTTTACTTGGTTTATTTTACCCTCATTTTGTTGGAGAGAAAAAGATACA[C>T]ATTGGTTTCTTCCTATTTTTCCCAGCTATTGACCTGAAAAGTGGTTCTGGAAAAGTGTAC-3'